The following is an entry in ClinVar:

ClinVar aggregate classification (germline): Conflicting classifications of pathogenicity. Review status: criteria provided, conflicting classifications (1 of 4 stars). 7 submissions from 7 submitters: Likely pathogenic (5); Uncertain significance (1). 1 of the submissions does not count toward it. Last evaluated 2026-06-11.

Conditions:
Citrullinemia. Identifiers: Orphanet 187, MedGen C0175683, MONDO:0015991.
Citrullinemia type I (CTNL1). Also called: argininosuccinate synthetase deficiency; ASS DEFICIENCY. Identifiers: Orphanet 247525, MedGen C4721769, MONDO:0008988, OMIM 215700.
ASS1-related disorder. Also called: ASS1-related condition.

Allele frequency attached by ClinVar (database versions not stated): TOPMed 0.00002; ExAC 0.00008; gnomAD exomes 0.00008.
gnomAD v4.1: 56 of 1,613,716 alleles (0.0035%); highest among the groups gnomAD compares: South Asian, 0.043%; 1 homozygote.

Submissions (7):

Myriad Genetics, Inc.
Classification: Uncertain significance for Citrullinemia type I. Last evaluated: 2026-06-11. Review status: criteria provided, single submitter. Criteria: Myriad Autosomal Dominant, Autosomal Recessive and X-Linked Classification Criteria (2023). Collection method: clinical testing. Allele origin: unknown.
Comment: NM_000050.4(ASS1):c.773C>T(A258V) is a missense variant classified as a variant of uncertain significance in the context of citrullinemia type 1. A258V has been observed in cases with relevant disease (PMID: 28111830). Relevant functional assessments of this variant are not available in the literature. A258V has been observed in referenced population frequency databases. In summary, there is insufficient evidence to classify NM_000050.4(ASS1):c.773C>T(A258V) as pathogenic or benign. Please note: this variant was assessed in the context of healthy population screening.

Labcorp Genetics (formerly Invitae), Labcorp
Classification: Likely pathogenic for Citrullinemia. Last evaluated: 2026-01-25. Review status: criteria provided, single submitter. Criteria: Invitae Variant Classification Sherloc (09022015). Collection method: clinical testing. Allele origin: germline.
Comment: This sequence change replaces alanine, which is neutral and non-polar, with valine, which is neutral and non-polar, at codon 258 of the ASS1 protein (p.Ala258Val). This variant is present in population databases (rs753078725, gnomAD 0.04%). This missense change has been observed in individual(s) with clinical features of citrullinemia type I (PMID: 28111830; external communications, internal data). It has also been observed to segregate with disease in related individuals. ClinVar contains an entry for this variant (Variation ID: 554197). An algorithm developed to predict the effect of missense changes on protein structure and function (PolyPhen-2) suggests that this variant is likely to be tolerated. In summary, the currently available evidence indicates that the variant is pathogenic, but additional data are needed to prove that conclusively. Therefore, this variant has been classified as Likely Pathogenic.

Natera, Inc.
Classification: Likely pathogenic for Citrullinemia type I. Last evaluated: 2025-08-26. Review status: criteria provided, single submitter. Criteria: Natera Variant Classification Schema (03/2026). Collection method: clinical testing. Allele origin: germline.
Comment: The c.773C>T variant in ASS1 is a missense variant predicted to cause substitution of alanine to valine at amino acid 258. This variant is rare in the general population with a frequency below the threshold expected for the associated phenotype(s). This variant has been observed in one or more individuals affected with the associated recessive disease, as either homozygous or compound heterozygous with a second variant (PMID: 28111830). Computational prediction algorithms indicate this variant is likely to affect gene or protein function. Given the available evidence, this variant is classified as Likely Pathogenic.

Variantyx, Inc.
Classification: Likely pathogenic for Citrullinemia type I. Last evaluated: 2025-07-28. Review status: criteria provided, single submitter. Criteria: Variantyx Assertion Criteria 2022. Collection method: clinical testing. Allele origin: germline. Inheritance: Autosomal recessive inheritance. Affected: no.
Comment: This is a nonsynonymous variant in the ASS1 gene (OMIM: 603470). Pathogenic variants in this gene have been associated with autosomal recessive citrullinemia. This variant has been identified in the homozygous or compound heterozygous state in at least 2 individuals reported in the published literature (PMID: 28111830) and previous internal cases (PM3_Strong). Multiple computational algorithms predict a deleterious effect for this variant (REVEL score: 0.717) (PP3). This variant has a 0.0428% maximum allele frequency in non-founder control populations (PM2). Based on the current evidence, this variant is classified as likely pathogenic for autosomal recessive citrullinemia.

Blueprint Genetics
Classification: Likely pathogenic for ASS1-related disorders. Last evaluated: 2024-08-19. Review status: criteria provided, single submitter. Criteria: ACMG Guidelines, 2015. Collection method: clinical testing. Allele origin: germline. Affected: yes. Observed: 4 variant alleles.

Kariminejad - Najmabadi Pathology & Genetics Center
Classification: Likely pathogenic for Citrullinemia type I. Review status: criteria provided, single submitter. Criteria: ACMG Guidelines, 2015. Collection method: clinical testing. Allele origin: germline. Affected: no.

Counsyl
Classification: Uncertain significance for Citrullinemia type I. Last evaluated: 2017-10-02. Review status: no assertion criteria provided. Collection method: clinical testing. Allele origin: unknown. Not counted in ClinVar's aggregate classification.

Literature cited by the submitters: PubMed 28111830 (cited by 5 submitters).

NM_054012.4(ASS1):c.773C>T (p.Ala258Val)

Gene: ASS1 (argininosuccinate synthase 1; plus strand). Cytogenetic location: 9q34.11.
Variant type: single nucleotide variant.
Coding change: c.773C>T on transcript NM_054012.4 (MANE Select); coding-DNA position 773, C replaced by T.
Protein change: p.Ala258Val; replaces alanine 258 with valine.
Molecular consequence: missense variant.
Genome position (GRCh38, 1-based): chr9:130,479,800, C>T. VCF-style: chr9-130479800-C-T. GRCh37 (hg19) VCF-style: chr9-133355187-C-T.
Other names: c.773C>T, p.Ala258Val (NM_000050.4); short protein forms A258V.
Identifiers: ClinVar variation 554197 (VCV000554197.17), dbSNP rs753078725, ClinGen allele CA5283455.